The following is an entry in ClinVar:

NM_030653.4(DDX11):c.395C>T (p.Ala132Val)

Gene: DDX11 (DEAD/H-box helicase 11; plus strand). Cytogenetic location: 12p11.21.
Variant type: single nucleotide variant.
Coding change: c.395C>T on transcript NM_030653.4 (MANE Select); coding-DNA position 395, C replaced by T.
Protein change: p.Ala132Val; replaces alanine 132 with valine.
Molecular consequence: missense variant.
Genome position (GRCh38, 1-based): chr12:31,084,584, C>T. VCF-style: chr12-31084584-C-T. GRCh37 (hg19) VCF-style: chr12-31237518-C-T.
Other names: c.395C>T, p.Ala132Val (NM_152438.2, NM_001257144.2, NM_004399.3); c.317C>T, p.Ala106Val (NM_001257145.2); short protein forms A106V, A132V.
Identifiers: ClinVar variation 1312659 (VCV001312659.6), dbSNP rs150544555, ClinGen allele CA6500729.
Genomic context (GRCh38, chr12:31,084,584, plus strand): 5'-TAGGAGAGGCCTGGTTTTGGGCTTCCTTGGTGATTTTCCTTCATGTCTGCCTCCTGTAGG[C>T]GGAGCAGGCCAGGAGGAAGCAGCGAGAAGAACGCCTGCAGCAGCTGCAGCACAGGGTGCA-3'
Protein context (NP_085911.2, residues 122-142): EERDLVDRLK[Ala132Val]EQARRKQREE

ClinVar aggregate classification (germline): Conflicting classifications of pathogenicity. Review status: criteria provided, conflicting classifications (1 of 4 stars). 3 submissions from 3 submitters: Uncertain significance (2); Likely benign (1). Last evaluated 2026-05-01.

Allele frequency attached by ClinVar (database versions not stated): 1000 Genomes Project 30x 0.00016; 1000 Genomes Project 0.00020; gnomAD exomes 0.00044 and 0.00086; gnomAD 0.00068 and 0.00072; TOPMed 0.00071; ExAC 0.00087; ESP Exome Variant Server 0.00092.

Submissions (3):

CeGaT Center for Human Genetics Tuebingen
Classification: Likely benign. Last evaluated: 2026-05-01. Review status: criteria provided, single submitter. Criteria: CeGaT Center For Human Genetics Tuebingen Variant Classification Criteria Version 2. Collection method: clinical testing. Allele origin: germline. Affected: yes. Observed: 1 variant allele.
Comment: DDX11: BP4

GeneDx
Classification: Uncertain significance. Last evaluated: 2023-06-23. Review status: criteria provided, single submitter. Criteria: GeneDx Variant Classification Process June 2021. Collection method: clinical testing. Allele origin: germline. Affected: yes.
Comment: In silico analysis supports that this missense variant does not alter protein structure/function; Has not been previously published as pathogenic or benign to our knowledge

Breakthrough Genomics
Classification: Uncertain significance. Review status: criteria provided, single submitter. Criteria: ACMG Guidelines, 2015. Collection method: not provided. Allele origin: germline. Inheritance: Autosomal recessive inheritance. Affected: yes.